The following is an entry in ClinVar:

NM_006031.6(PCNT):c.7842_7843del (p.Cys2614_Glu2615delinsTer)

Gene: PCNT (pericentrin; plus strand). Cytogenetic location: 21q22.3.
Variant type: Microsatellite.
Coding change: c.7842_7843del on transcript NM_006031.6 (MANE Select); coding-DNA positions 7842 to 7843, 2 bases deleted (TG; older notation c.7842_7843delTG).
Protein change: p.Cys2614_Glu2615delinsTer.
Molecular consequence: nonsense.
Genome position (GRCh38, 1-based): chr21:46,430,161-46,430,162, TG deleted; deleting any 2 consecutive bases within chr21:46,430,159-46,430,162 gives the same sequence; the c. name uses the placement nearest the transcript's 3' end. VCF-style (leftmost placement, unchanged base first): chr21-46430158-CTG-C. GRCh37 (hg19) VCF-style: chr21-47850072-CTG-C.
Other names: c.7488_7489del, p.Cys2496_Glu2497delinsTer (NM_001315529.2).
Identifiers: ClinVar variation 1338605 (VCV001338605.9), dbSNP rs2147963975, ClinGen allele CA2580615237.

ClinVar aggregate classification (germline): Pathogenic/Likely pathogenic. Review status: criteria provided, multiple submitters, no conflicts (2 of 4 stars). 2 submissions from 2 submitters: Pathogenic (1); Likely pathogenic (1). Last evaluated 2023-10-13.

Submissions (2):

Labcorp Genetics (formerly Invitae), Labcorp
Classification: Pathogenic. Last evaluated: 2023-10-13. Review status: criteria provided, single submitter. Criteria: Invitae Variant Classification Sherloc (09022015). Collection method: clinical testing. Allele origin: germline.
Comment: This sequence change creates a premature translational stop signal (p.Cys2614*) in the PCNT gene. It is expected to result in an absent or disrupted protein product. Loss-of-function variants in PCNT are known to be pathogenic (PMID: 18174396, 22821869). This variant is not present in population databases (gnomAD no frequency). This variant has not been reported in the literature in individuals affected with PCNT-related conditions. ClinVar contains an entry for this variant (Variation ID: 1338605). For these reasons, this variant has been classified as Pathogenic.

Genetic Services Laboratory, University of Chicago
Classification: Likely pathogenic. Last evaluated: 2020-09-14. Review status: criteria provided, single submitter. Criteria: ACMG Guidelines, 2015. Collection method: clinical testing. Allele origin: germline. Affected: yes.
Comment: DNA sequence analysis of the PCNT gene demonstrated a 2 base pair deletion in exon 36, c.7842_7843del. This sequence change results in an amino acid frameshift and creates a premature stop codon at position 2614, p.Cys2614*. This sequence change is predicted to result in an abnormal transcript, which may be degraded, or may lead to the production of a truncated PCNT protein with potentially abnormal function. This sequence change does not appear to have been previously described in patients with PCNT-related disorders and has also not been described in population databases (gnomAD, ExAC). Loss of function is a known mechanism of pathogenicity in the PCNT gene and truncating variants upstream and downstream of this variant have been described. These collective evidences indicate that this sequence change is likely pathogenic, however functional studies have not been performed to prove this conclusively.

Literature cited by the submitters: PubMed 18174396 (cited by Labcorp Genetics (formerly Invitae), Labcorp); PubMed 22821869 (cited by Labcorp Genetics (formerly Invitae), Labcorp).